The following is an entry in ClinVar:

ClinVar aggregate classification (germline): Conflicting classifications of pathogenicity. Review status: criteria provided, conflicting classifications (1 of 4 stars). 5 submissions from 4 submitters: Likely pathogenic (2); Uncertain significance (3). Last evaluated 2025-07-20.

Conditions:
Congenital myasthenic syndrome (CMS). Also called: Congenital Myasthenic Syndromes. Identifiers: Orphanet 590, MedGen C0751882, MeSH D020294, MONDO:0018940.
Lethal multiple pterygium syndrome (LMPS). Identifiers: Orphanet 33108, MedGen C1854678, MONDO:0009668, OMIM 253290.

Allele frequency attached by ClinVar (database versions not stated): gnomAD 0.00001; ExAC 0.00003; TOPMed 0.00003; gnomAD exomes 0.00004.

Submissions (5):

Labcorp Genetics (formerly Invitae), Labcorp
Classification: Uncertain significance for Lethal multiple pterygium syndrome. Last evaluated: 2025-07-20. Review status: criteria provided, single submitter. Criteria: Invitae Variant Classification Sherloc (09022015). Collection method: clinical testing. Allele origin: germline.
Comment: This sequence change affects the initiator codon of the CHRNA1 mRNA. This change may impact translation initiation or efficiency. The next in-frame methionine is located at codon 164. This variant is present in population databases (rs779169597, gnomAD 0.08%). This variant has not been reported in the literature in individuals affected with CHRNA1-related conditions. ClinVar contains an entry for this variant (Variation ID: 894737). Experimental studies and prediction algorithms are not available or were not evaluated, and the functional significance of this variant is currently unknown. In summary, the available evidence is currently insufficient to determine the role of this variant in disease. Therefore, it has been classified as a Variant of Uncertain Significance.

Women's Health and Genetics/Laboratory Corporation of America, LabCorp
Classification: Likely pathogenic for Lethal multiple pterygium syndrome. Last evaluated: 2023-07-28. Review status: criteria provided, single submitter. Criteria: LabCorp Variant Classification Summary - May 2015. Collection method: clinical testing. Allele origin: germline.
Comment: Variant summary: CHRNA1 c.2T>C (p.Met1Thr) alters the initiation codon (the next potential start site is located in exon 5) and is predicted to result either in absence of the protein or truncation of the encoded protein due to translation initiation at a downstream codon. Four of four in-silico tools predict a damaging effect of the variant on protein function. Additionally, pathogenic variants have been reported upstream of the next in-frame methionine. The variant allele was found at a frequency of 3.6e-05 in 247776 control chromosomes (gnomAD). To our knowledge, no occurrence of c.2T>C in individuals affected with Lethal multiple pterygium syndrome and no experimental evidence demonstrating its impact on protein function have been reported in the literature. The same genotype was subsequently identified in two other affected fetuses from the same family. This co-segregation with disease in one family suggests that the variant is likely to be associated with disease. Three submitters have cited clinical-significance assessments for this variant to ClinVar after 2014: one submitter has classified the variant as likely pathogenic while two classified as VUS. Based on the evidence outlined above, the variant was classified as likely pathogenic.

GeneDx
Classification: Likely pathogenic. Last evaluated: 2020-11-19. Review status: criteria provided, single submitter. Criteria: GeneDx Variant Classification Process June 2021. Collection method: clinical testing. Allele origin: germline. Affected: yes.
Comment: Initiation codon variant in a gene for which loss-of-function is a known mechanism of disease; Has not been previously published as pathogenic or benign to our knowledge

Illumina Laboratory Services, Illumina
Classification: Uncertain significance for Lethal multiple pterygium syndrome. Last evaluated: 2018-04-06. Review status: criteria provided, single submitter. Criteria: ICSL Variant Classification Criteria 13 December 2019. Collection method: clinical testing. Allele origin: germline.

Illumina Laboratory Services, Illumina
Classification: Uncertain significance for Congenital myasthenic syndrome. Last evaluated: 2018-04-06. Review status: criteria provided, single submitter. Criteria: ICSL Variant Classification Criteria 13 December 2019. Collection method: clinical testing. Allele origin: germline.

NM_000079.4(CHRNA1):c.2T>C (p.Met1Thr)

Gene: CHRNA1 (cholinergic receptor nicotinic alpha 1 subunit; minus strand). Cytogenetic location: 2q31.1.
Variant type: single nucleotide variant.
Coding change: c.2T>C on transcript NM_000079.4 (MANE Select); coding-DNA position 2, T replaced by C.
Protein change: p.Met1Thr; changes the start codon (methionine 1).
Molecular consequence: missense variant, initiator codon variant.
Genome position (GRCh38, 1-based): chr2:174,764,393, A>G on the plus strand (T>C on the coding strand, the complement: CHRNA1 is on the minus strand). VCF-style: chr2-174764393-A-G. GRCh37 (hg19) VCF-style: chr2-175629121-A-G.
Other names: c.2T>C, p.Met1Thr (NM_001039523.3); short protein forms M1T.
Identifiers: ClinVar variation 894737 (VCV000894737.18), dbSNP rs779169597, ClinGen allele CA1974733.